The following is an entry in ClinVar:

ClinVar aggregate classification (germline): Uncertain significance. Review status: criteria provided, multiple submitters, no conflicts (2 of 4 stars). 4 submissions from 4 submitters: Uncertain significance (4). Last evaluated 2025-09-24.

Conditions:
Inborn genetic diseases. Identifiers: MedGen C0950123, MeSH D030342.

Allele frequency attached by ClinVar (database versions not stated): ExAC 0.00007; gnomAD 0.00007; ESP Exome Variant Server 0.00023.
gnomAD v4.1: 266 of 1,612,938 alleles (0.016%); highest among the groups gnomAD compares: Non-Finnish European, 0.021%; no homozygotes.

Submissions (4):

GeneDx
Classification: Uncertain significance. Last evaluated: 2025-09-24. Review status: criteria provided, single submitter. Criteria: GeneDx Variant Classification Process June 2021. Collection method: clinical testing. Allele origin: germline. Affected: yes.
Comment: In silico analysis supports that this missense variant has a deleterious effect on protein structure/function; Has not been previously published as pathogenic or benign to our knowledge

Ambry Genetics
Classification: Uncertain significance for Inborn genetic diseases. Last evaluated: 2024-07-06. Review status: criteria provided, single submitter. Criteria: Ambry Variant Classification Scheme 2023. Collection method: clinical testing. Allele origin: germline.

Labcorp Genetics (formerly Invitae), Labcorp
Classification: Uncertain significance. Last evaluated: 2024-01-18. Review status: criteria provided, single submitter. Criteria: Invitae Variant Classification Sherloc (09022015). Collection method: clinical testing. Allele origin: germline.
Comment: This sequence change replaces threonine, which is neutral and polar, with alanine, which is neutral and non-polar, at codon 644 of the LONP1 protein (p.Thr644Ala). This variant is present in population databases (rs141420305, gnomAD 0.009%). This variant has not been reported in the literature in individuals affected with LONP1-related conditions. ClinVar contains an entry for this variant (Variation ID: 2186620). Advanced modeling of protein sequence and biophysical properties (such as structural, functional, and spatial information, amino acid conservation, physicochemical variation, residue mobility, and thermodynamic stability) performed at Invitae indicates that this missense variant is not expected to disrupt LONP1 protein function with a negative predictive value of 80%. In summary, the available evidence is currently insufficient to determine the role of this variant in disease. Therefore, it has been classified as a Variant of Uncertain Significance.

Breakthrough Genomics
Classification: Uncertain significance. Review status: criteria provided, single submitter. Criteria: ACMG Guidelines, 2015. Collection method: not provided. Allele origin: germline. Inheritance: Autosomal recessive inheritance. Affected: yes.

NM_004793.4(LONP1):c.1930A>G (p.Thr644Ala)

Gene: LONP1 (lon peptidase 1, mitochondrial; minus strand). Cytogenetic location: 19p13.3.
Variant type: single nucleotide variant.
Coding change: c.1930A>G on transcript NM_004793.4 (MANE Select); coding-DNA position 1930, A replaced by G.
Protein change: p.Thr644Ala; replaces threonine 644 with alanine.
Molecular consequence: missense variant. On other transcripts: non-coding transcript variant (1).
Genome position (GRCh38, 1-based): chr19:5,696,137, T>C on the plus strand (A>G on the coding strand, the complement: LONP1 is on the minus strand). VCF-style: chr19-5696137-T-C. GRCh37 (hg19) VCF-style: chr19-5696148-T-C.
Other names: c.1930A>G (NM_004793.2, NM_004793.3); c.1738A>G, p.Thr580Ala (NM_001276479.2); c.1342A>G, p.Thr448Ala (NM_001276480.1); short protein forms T580A, T448A, T644A.
Identifiers: ClinVar variation 2186620 (VCV002186620.8), dbSNP rs141420305, ClinGen allele CA9114387.
Genomic context (GRCh38, chr19:5,696,137, plus strand): 5'-GGGCCACGTAGCCCGACACGTTGATCATCTCCATACGGTCTCGCAGCGGCTCGGGGATGG[T>C]GTCCGTGACGTTGGCCGTGCAGATGAACAGCACCTGGGGGCGGCGGCAAGGTGCTGGGGG-3'
Protein context (NP_004784.2, residues 634-654): LFICTANVTD[Thr644Ala]IPEPLRDRME